The following is an entry in ClinVar:

NM_021922.3(FANCE):c.128G>A (p.Gly43Asp)

Genes: FANCE (FA complementation group E; plus strand), LOC129996245 (ATAC-STARR-seq lymphoblastoid silent region 17092; plus strand). Cytogenetic location: 6p21.31.
Variant type: single nucleotide variant.
Coding change: c.128G>A on transcript NM_021922.3 (MANE Select); coding-DNA position 128, G replaced by A.
Protein change: p.Gly43Asp; replaces glycine 43 with aspartic acid.
Molecular consequence: missense variant.
Genome position (GRCh38, 1-based): chr6:35,452,673, G>A. VCF-style: chr6-35452673-G-A. GRCh37 (hg19) VCF-style: chr6-35420450-G-A.
Other names: c.128G>A (NM_021922.2); short protein forms G43D.
Identifiers: ClinVar variation 1481129 (VCV001481129.6), dbSNP rs1767154137, ClinGen allele CA363770307.

ClinVar aggregate classification (germline): Uncertain significance. Review status: criteria provided, multiple submitters, no conflicts (2 of 4 stars). 3 submissions from 3 submitters: Uncertain significance (3). Last evaluated 2025-11-11.

Conditions:
Fanconi anemia complementation group E (FANCE). Also called: FANCE-Related Fanconi Anemia. Identifiers: Orphanet 84, MedGen C3160739, MONDO:0010953, OMIM 600901.
Inborn genetic diseases. Identifiers: MedGen C0950123, MeSH D030342.

Allele frequency attached by ClinVar (database versions not stated): TOPMed below 0.00001; gnomAD 0.00001.

Submissions (3):

Ambry Genetics
Classification: Uncertain significance for Inborn genetic diseases. Last evaluated: 2025-11-11. Review status: criteria provided, single submitter. Criteria: Ambry Variant Classification Scheme 2023. Collection method: clinical testing. Allele origin: germline.

Labcorp Genetics (formerly Invitae), Labcorp
Classification: Uncertain significance for Fanconi anemia complementation group E. Last evaluated: 2025-10-05. Review status: criteria provided, single submitter. Criteria: Invitae Variant Classification Sherloc (09022015). Collection method: clinical testing. Allele origin: germline.
Comment: This sequence change replaces glycine, which is neutral and non-polar, with aspartic acid, which is acidic and polar, at codon 43 of the FANCE protein (p.Gly43Asp). This variant is not present in population databases (gnomAD no frequency). This variant has not been reported in the literature in individuals affected with FANCE-related conditions. ClinVar contains an entry for this variant (Variation ID: 1481129). Invitae Evidence Modeling of protein sequence and biophysical properties (such as structural, functional, and spatial information, amino acid conservation, physicochemical variation, residue mobility, and thermodynamic stability) indicates that this missense variant is expected to disrupt FANCE protein function with a positive predictive value of 80%. In summary, the available evidence is currently insufficient to determine the role of this variant in disease. Therefore, it has been classified as a Variant of Uncertain Significance.

Blueprint Genetics
Classification: Uncertain significance. Last evaluated: 2022-07-12. Review status: criteria provided, single submitter. Criteria: ACMG Guidelines, 2015. Collection method: clinical testing. Allele origin: germline.